The following is an entry in ClinVar:

NM_015602.4(TOR1AIP1):c.460T>A (p.Ser154Thr)

Genes: TOR1AIP1 (torsin 1A interacting protein 1; plus strand), LOC112577517 (Sharpr-MPRA regulatory region 13766; plus strand). Cytogenetic location: 1q25.2.
Variant type: single nucleotide variant.
Coding change: c.460T>A on transcript NM_015602.4 (MANE Select); coding-DNA position 460, T replaced by A.
Protein change: p.Ser154Thr; replaces serine 154 with threonine.
Molecular consequence: missense variant.
Genome position (GRCh38, 1-based): chr1:179,882,962, T>A. VCF-style: chr1-179882962-T-A. GRCh37 (hg19) VCF-style: chr1-179852097-T-A.
Other names: c.460T>A, p.Ser154Thr (NM_001267578.2); short protein forms S154T.
Identifiers: ClinVar variation 1008292 (VCV001008292.2), dbSNP rs771016825, ClinGen allele CA343578425.
Genomic context (GRCh38, chr1:179,882,962, plus strand): 5'-CACTCAGAGCAGCCTCCGCTACAGCCGTCTCCTGTTATGACCAGGAGAGGGCTGCGGGAC[T>A]CTCATTCCTCTGAAGGTGAGGACCGCGGAGGTAACAGTCCCAGCCGCGAGCCAGGGAACG-3'
Protein context (NP_056417.2, residues 144-164): PVMTRRGLRD[Ser154Thr]HSSEEDEASS

ClinVar aggregate classification (germline): Uncertain significance (1 of 4 stars; one submission).

Conditions:
Autosomal recessive limb-girdle muscular dystrophy type 2Y (MRRSDC). Also called: Muscular dystrophy, autosomal recessive, with rigid spine and distal joint contractures; Muscular dystrophy, limb-girdle, type 2y. Identifiers: Orphanet 424261, MedGen C4511482, MONDO:0014900, OMIM 617072.

gnomAD v4.1: 1 of 1,612,220 alleles (0.000062%); no homozygotes.

Submission:

Labcorp Genetics (formerly Invitae), Labcorp
Classification: Uncertain significance for Autosomal recessive limb-girdle muscular dystrophy type 2Y. Last evaluated: 2021-08-27. Review status: criteria provided, single submitter. Criteria: Invitae Variant Classification Sherloc (09022015). Collection method: clinical testing. Allele origin: germline.
Comment: This sequence change replaces serine with threonine at codon 154 of the TOR1AIP1 protein (p.Ser154Thr). The serine residue is weakly conserved and there is a small physicochemical difference between serine and threonine. This variant is not present in population databases (ExAC no frequency). This variant has not been reported in the literature in individuals affected with TOR1AIP1-related conditions. Algorithms developed to predict the effect of missense changes on protein structure and function (SIFT, PolyPhen-2, Align-GVGD) all suggest that this variant is likely to be tolerated. In summary, the available evidence is currently insufficient to determine the role of this variant in disease. Therefore, it has been classified as a Variant of Uncertain Significance.